The following is an entry in ClinVar:

NM_005359.6(SMAD4):c.197C>T (p.Ala66Val)

Gene: SMAD4 (SMAD family member 4; plus strand). Cytogenetic location: 18q21.2.
Variant type: single nucleotide variant.
Coding change: c.197C>T on transcript NM_005359.6 (MANE Select); coding-DNA position 197, C replaced by T.
Protein change: p.Ala66Val; replaces alanine 66 with valine.
Molecular consequence: missense variant.
Genome position (GRCh38, 1-based): chr18:51,047,243, C>T. VCF-style: chr18-51047243-C-T. GRCh37 (hg19) VCF-style: chr18-48573613-C-T.
Other names: short protein forms A66V.
Identifiers: ClinVar variation 1332010 (VCV001332010.8), dbSNP rs2144401606, ClinGen allele CA402457996.

ClinVar aggregate classification (germline): Uncertain significance. Review status: criteria provided, multiple submitters, no conflicts (2 of 4 stars). 3 submissions from 3 submitters: Uncertain significance (3). Last evaluated 2025-08-14.

Conditions:
Hereditary cancer-predisposing syndrome. Also called: Hereditary Cancer Syndrome; Hereditary neoplastic syndrome; Neoplastic Syndromes, Hereditary; Tumor predisposition. Identifiers: Orphanet 140162, MedGen C0027672, MeSH D009386, MONDO:0015356.
Juvenile polyposis syndrome (JPS). Identifiers: Orphanet 2929, MedGen C0345893, MONDO:0017380, OMIM 174900.
Familial thoracic aortic aneurysm and aortic dissection (TAAD). Also called: Thoracic aortic aneurysms and dissections. Identifiers: Orphanet 91387, MedGen C4707243, MONDO:0019625.

Allele frequency attached by ClinVar (database versions not stated): gnomAD exomes below 0.00001.

Submissions (3):

Ambry Genetics
Classification: Uncertain significance for Hereditary cancer-predisposing syndrome; Familial thoracic aortic aneurysm and aortic dissection. Last evaluated: 2025-08-14. Review status: criteria provided, single submitter. Criteria: Ambry Variant Classification Scheme 2023. Collection method: clinical testing. Allele origin: germline.
Comment: The p.A66V variant (also known as c.197C>T), located in coding exon 1 of the SMAD4 gene, results from a C to T substitution at nucleotide position 197. The alanine at codon 66 is replaced by valine, an amino acid with similar properties. This amino acid position is highly conserved in available vertebrate species. In addition, the in silico prediction for this alteration is inconclusive. Based on the available evidence, the clinical significance of this variant remains unclear.

Labcorp Genetics (formerly Invitae), Labcorp
Classification: Uncertain significance for Juvenile polyposis syndrome. Last evaluated: 2024-12-08. Review status: criteria provided, single submitter. Criteria: Invitae Variant Classification Sherloc (09022015). Collection method: clinical testing. Allele origin: germline.
Comment: This sequence change replaces alanine, which is neutral and non-polar, with valine, which is neutral and non-polar, at codon 66 of the SMAD4 protein (p.Ala66Val). This variant is not present in population databases (gnomAD no frequency). This variant has not been reported in the literature in individuals affected with SMAD4-related conditions. ClinVar contains an entry for this variant (Variation ID: 1332010). Invitae Evidence Modeling of protein sequence and biophysical properties (such as structural, functional, and spatial information, amino acid conservation, physicochemical variation, residue mobility, and thermodynamic stability) has been performed for this missense variant. However, the output from this modeling did not meet the statistical confidence thresholds required to predict the impact of this variant on SMAD4 protein function. In summary, the available evidence is currently insufficient to determine the role of this variant in disease. Therefore, it has been classified as a Variant of Uncertain Significance.

Color Diagnostics, LLC DBA Color Health
Classification: Uncertain significance for Hereditary cancer-predisposing syndrome. Last evaluated: 2024-03-07. Review status: criteria provided, single submitter. Criteria: ACMG Guidelines, 2015. Collection method: clinical testing. Allele origin: germline.
Comment: This missense variant replaces alanine with valine at codon 66 of the SMAD4 protein. Computational prediction suggests that this variant may not impact protein structure and function (internally defined REVEL score threshold <= 0.5, PMID: 27666373). To our knowledge, functional studies have not been reported for this variant. This variant has not been reported in individuals affected with hereditary cancer in the literature. This variant has not been identified in the general population by the Genome Aggregation Database (gnomAD). The available evidence is insufficient to determine the role of this variant in disease conclusively. Therefore, this variant is classified as a Variant of Uncertain Significance.